The following is an entry in ClinVar:

ClinVar aggregate classification (germline): Uncertain significance (1 of 4 stars; one submission).

Conditions:
Cardiovascular phenotype. Identifiers: MedGen CN230736.

Submission:

Ambry Genetics
Classification: Uncertain significance for Cardiovascular phenotype. Last evaluated: 2024-09-17. Review status: criteria provided, single submitter. Criteria: Ambry Variant Classification Scheme 2023. Collection method: clinical testing. Allele origin: germline.
Comment: The p.E359A variant (also known as c.1076A>C), located in coding exon 5 of the ALMS1 gene, results from an A to C substitution at nucleotide position 1076. The glutamic acid at codon 359 is replaced by alanine, an amino acid with dissimilar properties. This amino acid position is well conserved in available vertebrate species. In addition, this alteration is predicted to be tolerated by in silico analysis. Based on the available evidence, the clinical significance of this variant remains unclear.

NM_001378454.1(ALMS1):c.1073A>C (p.Glu358Ala)

Gene: ALMS1 (ALMS1 centrosome and basal body associated protein; plus strand). Cytogenetic location: 2p13.1.
Variant type: single nucleotide variant.
Coding change: c.1073A>C on transcript NM_001378454.1 (MANE Select); coding-DNA position 1073, A replaced by C.
Protein change: p.Glu358Ala; replaces glutamic acid 358 with alanine.
Molecular consequence: missense variant.
Genome position (GRCh38, 1-based): chr2:73,424,738, A>C. VCF-style: chr2-73424738-A-C. GRCh37 (hg19) VCF-style: chr2-73651866-A-C.
Other names: c.1076A>C, p.Glu359Ala (NM_015120.4); short protein forms E358A, E359A.
Identifiers: ClinVar variation 3526832 (VCV003526832.1).